The following is an entry in ClinVar:

NM_004614.5(TK2):c.56C>T (p.Pro19Leu)

Genes: TK2 (thymidine kinase 2; minus strand), LOC130059156 (ATAC-STARR-seq lymphoblastoid silent region 7560; plus strand). Cytogenetic location: 16q21.
Variant type: single nucleotide variant.
Coding change: c.56C>T on transcript NM_004614.5 (MANE Select); coding-DNA position 56, C replaced by T.
Protein change: p.Pro19Leu; replaces proline 19 with leucine.
Molecular consequence: missense variant. On other transcripts: 5 prime UTR variant (2), non-coding transcript variant (1), intron variant (2).
Genome position (GRCh38, 1-based): chr16:66,550,006, G>A on the plus strand (C>T on the coding strand, the complement: TK2 is on the minus strand). VCF-style: chr16-66550006-G-A. GRCh37 (hg19) VCF-style: chr16-66583909-G-A.
Other names: c.56C>T, p.Pro19Leu (NM_001172644.2, NM_001172645.2); c.-187C>T (NM_001271934.2); c.-597C>T (NM_001272050.2); c.31+247C>T (NM_001271935.1, NM_001172643.1); short protein forms P19L.
Identifiers: ClinVar variation 1400154 (VCV001400154.5), dbSNP rs780997328, ClinGen allele CA8093847.

ClinVar aggregate classification (germline): Uncertain significance (1 of 4 stars; one submission).

Allele frequency attached by ClinVar (database versions not stated): gnomAD 0.00001; TOPMed 0.00002; gnomAD exomes 0.00003 and 0.00008.

Submission:

Labcorp Genetics (formerly Invitae), Labcorp
Classification: Uncertain significance. Last evaluated: 2022-07-26. Review status: criteria provided, single submitter. Criteria: Invitae Variant Classification Sherloc (09022015). Collection method: clinical testing. Allele origin: germline.
Comment: This sequence change replaces proline, which is neutral and non-polar, with leucine, which is neutral and non-polar, at codon 19 of the TK2 protein (p.Pro19Leu). This variant is present in population databases (rs780997328, gnomAD 0.04%). This variant has not been reported in the literature in individuals affected with TK2-related conditions. ClinVar contains an entry for this variant (Variation ID: 1400154). Advanced modeling of protein sequence and biophysical properties (such as structural, functional, and spatial information, amino acid conservation, physicochemical variation, residue mobility, and thermodynamic stability) performed at Invitae indicates that this missense variant is not expected to disrupt TK2 protein function. In summary, the available evidence is currently insufficient to determine the role of this variant in disease. Therefore, it has been classified as a Variant of Uncertain Significance.